The following is an entry in ClinVar:

ClinVar aggregate classification (germline): Conflicting classifications of pathogenicity. Review status: criteria provided, conflicting classifications (1 of 4 stars). 6 submissions from 6 submitters: Uncertain significance (1); Likely benign (5). Last evaluated 2026-02-03.

Conditions:
Autosomal recessive limb-girdle muscular dystrophy type 2O. Also called: Limb-Girdle Muscular Dystrophy Type 3C; MUSCULAR DYSTROPHY-DYSTROGLYCANOPATHY (LIMB-GIRDLE), TYPE C, 3; MUSCULAR DYSTROPHY-DYSTROGLYCANOPATHY, LIMB-GIRDLE, POMGNT1-RELATED. Identifiers: Orphanet 206564, MedGen C3150417, MONDO:0013161, OMIM 613157.
Muscular dystrophy-dystroglycanopathy (congenital with impaired intellectual development), type B, 3. Also called: Muscular dystrophy-dystroglycanopathy (congenital with intellectual disability), type B3; MUSCULAR DYSTROPHY, CONGENITAL, POMGNT1-RELATED. Identifiers: MedGen C3150412, MONDO:0013155, OMIM 613151.

Allele frequency attached by ClinVar (database versions not stated): gnomAD 0.00061 and 0.00057; gnomAD exomes 0.00014 and 0.00009; ExAC 0.00019; ESP Exome Variant Server 0.00054; TOPMed 0.00057.
gnomAD v4.1: 222 of 1,613,654 alleles (0.014%); highest among the groups gnomAD compares: African/African-American, 0.15%; 1 homozygote.

Submissions (6):

Labcorp Genetics (formerly Invitae), Labcorp
Classification: Likely benign for Autosomal recessive limb-girdle muscular dystrophy type 2O; Muscular dystrophy-dystroglycanopathy (congenital with impaired intellectual development), type B, 3. Last evaluated: 2026-02-03. Review status: criteria provided, single submitter. Criteria: Invitae Variant Classification Sherloc (09022015). Collection method: clinical testing. Allele origin: germline.

CeGaT Center for Human Genetics Tuebingen
Classification: Likely benign. Last evaluated: 2025-07-01. Review status: criteria provided, single submitter. Criteria: CeGaT Center For Human Genetics Tuebingen Variant Classification Criteria Version 2. Collection method: clinical testing. Allele origin: germline. Affected: yes. Observed: 2 variant alleles.
Comment: POMGNT1: BP4, BP7

Blueprint Genetics
Classification: Likely benign. Last evaluated: 2024-05-23. Review status: criteria provided, single submitter. Criteria: ACMG Guidelines, 2015. Collection method: clinical testing. Allele origin: germline.

GeneDx
Classification: Likely benign. Last evaluated: 2019-05-01. Review status: criteria provided, single submitter. Criteria: GeneDx Variant Classification Process June 2021. Collection method: clinical testing. Allele origin: germline. Affected: yes.

Athena Diagnostics
Classification: Likely benign. Last evaluated: 2018-09-14. Review status: criteria provided, single submitter. Criteria: Athena Diagnostics Criteria. Collection method: clinical testing. Allele origin: germline.

Eurofins Ntd Llc (ga)
Classification: Uncertain significance. Last evaluated: 2018-01-04. Review status: criteria provided, single submitter. Criteria: EGL Classification Definitions 2015. Collection method: clinical testing. Allele origin: germline. Observed: 2 variant alleles, 2 heterozygotes.

NM_017739.4(POMGNT1):c.453G>A (p.Thr151=)

Genes: POMGNT1 (protein O-linked mannose N-acetylglucosaminyltransferase 1 (beta 1,2-); minus strand), TSPAN1 (tetraspanin 1; plus strand). Cytogenetic location: 1p34.1.
Variant type: single nucleotide variant.
Coding change: c.453G>A on transcript NM_017739.4 (MANE Select); coding-DNA position 453, G replaced by A.
Protein change: p.Thr151=; no amino-acid change (threonine 151 retained).
Molecular consequence: synonymous variant.
Genome position (GRCh38, 1-based): chr1:46,195,892, C>T on the plus strand (G>A on the coding strand, the complement: POMGNT1 is on the minus strand). VCF-style: chr1-46195892-C-T. GRCh37 (hg19) VCF-style: chr1-46661564-C-T.
Other names: c.453G>A, p.Thr151= (NM_001243766.2, NM_001410783.1); c.387G>A, p.Thr129= (NM_001290129.3); c.24G>A, p.Thr8= (NM_001290130.2).
Identifiers: ClinVar variation 507502 (VCV000507502.44), dbSNP rs146121135, ClinGen allele CA833721.